The following is an entry in ClinVar:

ClinVar aggregate classification (germline): Uncertain significance (1 of 4 stars; one submission).

Conditions:
Hereditary cancer-predisposing syndrome. Also called: Tumor predisposition; Hereditary neoplastic syndrome; Hereditary Cancer Syndrome; Neoplastic Syndromes, Hereditary. Identifiers: Orphanet 140162, MedGen C0027672, MeSH D009386, MONDO:0015356.

Submission:

Ambry Genetics
Classification: Uncertain significance for Hereditary cancer-predisposing syndrome. Last evaluated: 2025-05-14. Review status: criteria provided, single submitter. Criteria: Ambry Variant Classification Scheme 2023. Collection method: clinical testing. Allele origin: germline.
Comment: The c.-2+3G>A intronic variant is located in the 5' untranslated region (5&rsquo; UTR) of the POLD1 gene. This intronic variant results from a G to A substitution 3 nucleotides after the first translated codon. This nucleotide position is well conserved in available vertebrate species. Based on the available evidence, the clinical significance of this variant remains unclear.

NM_002691.4(POLD1):c.-2+3G>A

Gene: POLD1 (DNA polymerase delta 1, catalytic subunit; plus strand). Cytogenetic location: 19q13.33.
Variant type: single nucleotide variant.
Coding change: c.-2+3G>A on transcript NM_002691.4 (MANE Select); 3 bases into the intron after 2 bases upstream of the start codon, G replaced by A.
Molecular consequence: intron variant.
Genome position (GRCh38, 1-based): chr19:50,384,393, G>A. VCF-style: chr19-50384393-G-A. GRCh37 (hg19) VCF-style: chr19-50887650-G-A.
Other names: c.-5+3G>A (NM_001256849.1).
Identifiers: ClinVar variation 3935576 (VCV003935576.1).